The following is an entry in ClinVar:

NM_001844.5(COL2A1):c.35T>C (p.Leu12Pro)

Gene: COL2A1 (collagen type II alpha 1 chain; minus strand). Cytogenetic location: 12q13.11.
Variant type: single nucleotide variant.
Coding change: c.35T>C on transcript NM_001844.5 (MANE Select); coding-DNA position 35, T replaced by C.
Protein change: p.Leu12Pro; replaces leucine 12 with proline.
Molecular consequence: missense variant.
Genome position (GRCh38, 1-based): chr12:48,004,287, A>G on the plus strand (T>C on the coding strand, the complement: COL2A1 is on the minus strand). VCF-style: chr12-48004287-A-G. GRCh37 (hg19) VCF-style: chr12-48398070-A-G.
Other names: c.35T>C, p.Leu12Pro (NM_033150.3); short protein forms L12P.
Identifiers: ClinVar variation 1304913 (VCV001304913.2), dbSNP rs2136652710, ClinGen allele CA384528329.

ClinVar aggregate classification (germline): Uncertain significance (1 of 4 stars; one submission).

Allele frequency attached by ClinVar (database versions not stated): gnomAD exomes below 0.00001.
gnomAD v4.1: 1 of 1,550,396 alleles (0.000064%); highest among the groups gnomAD compares: Non-Finnish European, 0.000087%; no homozygotes.

Submission:

GeneDx
Classification: Uncertain significance. Last evaluated: 2020-01-09. Review status: criteria provided, single submitter. Criteria: GeneDx Variant Classification Process June 2021. Collection method: clinical testing. Allele origin: germline. Affected: yes.
Comment: Not observed in large population cohorts (Lek et al., 2016); In silico analysis, which includes protein predictors and evolutionary conservation, supports that this variant does not alter protein structure/function; Has not been previously published as pathogenic or benign to our knowledge